The following is an entry in ClinVar:

ClinVar aggregate classification (germline): Uncertain significance. Review status: criteria provided, multiple submitters, no conflicts (2 of 4 stars). 2 submissions from 2 submitters: Uncertain significance (2). Last evaluated 2025-08-14.

Allele frequency attached by ClinVar (database versions not stated): ExAC 0.00001; gnomAD exomes 0.00001; TOPMed 0.00001.
gnomAD v4.1: 8 of 1,614,090 alleles (0.0005%); highest among the groups gnomAD compares: Non-Finnish European, 0.00068%; no homozygotes.

Submissions (2):

Ambry Genetics
Classification: Uncertain significance. Last evaluated: 2025-08-14. Review status: criteria provided, single submitter. Criteria: Ambry Variant Classification Scheme 2023. Collection method: clinical testing. Allele origin: germline.

Labcorp Genetics (formerly Invitae), Labcorp
Classification: Uncertain significance. Last evaluated: 2025-02-03. Review status: criteria provided, single submitter. Criteria: Invitae Variant Classification Sherloc (09022015). Collection method: clinical testing. Allele origin: germline.
Comment: This sequence change replaces methionine, which is neutral and non-polar, with isoleucine, which is neutral and non-polar, at codon 295 of the CRYM protein (p.Met295Ile). This variant is present in population databases (rs533525035, gnomAD 0.002%). This variant has not been reported in the literature in individuals affected with CRYM-related conditions. ClinVar contains an entry for this variant (Variation ID: 2480663). Invitae Evidence Modeling of protein sequence and biophysical properties (such as structural, functional, and spatial information, amino acid conservation, physicochemical variation, residue mobility, and thermodynamic stability) indicates that this missense variant is not expected to disrupt CRYM protein function with a negative predictive value of 80%. In summary, the available evidence is currently insufficient to determine the role of this variant in disease. Therefore, it has been classified as a Variant of Uncertain Significance.

NM_001376256.1(CRYM):c.885G>T (p.Met295Ile)

Gene: CRYM (crystallin mu; minus strand). Cytogenetic location: 16p12.2.
Variant type: single nucleotide variant.
Coding change: c.885G>T on transcript NM_001376256.1 (MANE Select); coding-DNA position 885, G replaced by T.
Protein change: p.Met295Ile; replaces methionine 295 with isoleucine.
Molecular consequence: missense variant.
Genome position (GRCh38, 1-based): chr16:21,258,841, C>A on the plus strand (G>T on the coding strand, the complement: CRYM is on the minus strand). VCF-style: chr16-21258841-C-A. GRCh37 (hg19) VCF-style: chr16-21270162-C-A.
Other names: c.885G>T, p.Met295Ile (NM_001888.5); short protein forms M295I.
Identifiers: ClinVar variation 2480663 (VCV002480663.5), dbSNP rs533525035, ClinGen allele CA7950572.